The following is an entry in ClinVar:

ClinVar aggregate classification (germline): Uncertain significance (1 of 4 stars; one submission).

Conditions:
Familial thoracic aortic aneurysm and aortic dissection (TAAD). Also called: Thoracic aortic aneurysms and dissections. Identifiers: Orphanet 91387, MedGen C4707243, MONDO:0019625.

Submission:

Ambry Genetics
Classification: Uncertain significance for Familial thoracic aortic aneurysm and aortic dissection. Last evaluated: 2026-01-17. Review status: criteria provided, single submitter. Criteria: Ambry Variant Classification Scheme 2023. Collection method: clinical testing. Allele origin: germline.
Comment: The p.A273T variant (also known as c.817G>A), located in coding exon 4 of the FLNA gene, results from a G to A substitution at nucleotide position 817. The alanine at codon 273 is replaced by threonine, an amino acid with similar properties. This amino acid position is conserved. In addition, the in silico prediction for this alteration is inconclusive. Based on the available evidence, the clinical significance of this variant remains unclear.

NM_001110556.2(FLNA):c.817G>A (p.Ala273Thr)

Gene: FLNA (filamin A; minus strand). Cytogenetic location: Xq28.
Variant type: single nucleotide variant.
Coding change: c.817G>A on transcript NM_001110556.2 (MANE Select); coding-DNA position 817, G replaced by A.
Protein change: p.Ala273Thr; replaces alanine 273 with threonine.
Molecular consequence: missense variant.
Genome position (GRCh38, 1-based): chrX:154,367,448, C>T on the plus strand (G>A on the coding strand, the complement: FLNA is on the minus strand). VCF-style: chrX-154367448-C-T. GRCh37 (hg19) VCF-style: chrX-153595816-C-T.
Other names: c.817G>A, p.Ala273Thr (NM_001456.4); short protein forms A273T.
Identifiers: ClinVar variation 4845052 (VCV004845052.1).